The following is an entry in ClinVar:

NM_006892.4(DNMT3B):c.1327C>G (p.Pro443Ala)

Gene: DNMT3B (DNA methyltransferase 3 beta; plus strand). Cytogenetic location: 20q11.21.
Variant type: single nucleotide variant.
Coding change: c.1327C>G on transcript NM_006892.4 (MANE Select); coding-DNA position 1327, C replaced by G.
Protein change: p.Pro443Ala; replaces proline 443 with alanine.
Molecular consequence: missense variant.
Genome position (GRCh38, 1-based): chr20:32,796,819, C>G. VCF-style: chr20-32796819-C-G. GRCh37 (hg19) VCF-style: chr20-31384625-C-G.
Other names: c.1141C>G, p.Pro381Ala (NM_001207055.2); c.1039C>G, p.Pro347Ala (NM_001207056.2); c.1267C>G, p.Pro423Ala (NM_175848.2, NM_175849.2); c.1303C>G, p.Pro435Ala (NM_175850.3); short protein forms P381A, P423A, P347A, P435A, P443A.
Identifiers: ClinVar variation 1491996 (VCV001491996.8), dbSNP rs752929250, ClinGen allele CA408585778.
Genomic context (GRCh38, chr20:32,796,819, plus strand): 5'-GCCAAAAGCCACAACCCTGTTTTTCTTACAGATGGCTGTTTGTCTTGTGGCAGGAAAAAC[C>G]CCGTGTCCTTCCACCCTCTCTTTGAGGGGGGGCTCTGTCAGACATGCCGGGTAAGTCCTC-3'
Protein context (NP_008823.1, residues 433-453): DGCLSCGRKN[Pro443Ala]VSFHPLFEGG

ClinVar aggregate classification (germline): Uncertain significance (1 of 4 stars; one submission).

Conditions:
Centromeric instability of chromosomes 1,9 and 16 and immunodeficiency (ICF1). Also called: Immunodeficiency-centromeric instability-facial anomalies; IMMUNE DEFICIENCY, VARIABLE, WITH CENTROMERIC INSTABILITY OF CHROMOSOMES 1, 9, AND 16; IMMUNODEFICIENCY SYNDROME, VARIABLE; CENTROMERIC INSTABILITY, IMMUNODEFICIENCY SYNDROME. Identifiers: Orphanet 2268, MedGen C0398788, MONDO:0000133.

Allele frequency attached by ClinVar (database versions not stated): TOPMed below 0.00001; gnomAD 0.00001.
gnomAD v4.1: 1 of 1,614,086 alleles (0.000062%); highest among the groups gnomAD compares: Non-Finnish European, 0.000085%; no homozygotes.

Submission:

Labcorp Genetics (formerly Invitae), Labcorp
Classification: Uncertain significance for Centromeric instability of chromosomes 1,9 and 16 and immunodeficiency. Last evaluated: 2022-08-15. Review status: criteria provided, single submitter. Criteria: Invitae Variant Classification Sherloc (09022015). Collection method: clinical testing. Allele origin: germline.
Comment: This sequence change replaces proline, which is neutral and non-polar, with alanine, which is neutral and non-polar, at codon 443 of the DNMT3B protein (p.Pro443Ala). This variant is not present in population databases (gnomAD no frequency). This variant has not been reported in the literature in individuals affected with DNMT3B-related conditions. ClinVar contains an entry for this variant (Variation ID: 1491996). Algorithms developed to predict the effect of missense changes on protein structure and function (SIFT, PolyPhen-2, Align-GVGD) all suggest that this variant is likely to be tolerated. In summary, the available evidence is currently insufficient to determine the role of this variant in disease. Therefore, it has been classified as a Variant of Uncertain Significance.